The following is an entry in ClinVar:

ClinVar aggregate classification (germline): Conflicting classifications of pathogenicity. Review status: criteria provided, conflicting classifications (1 of 4 stars). 9 submissions from 9 submitters: Uncertain significance (4); Benign (1); Likely benign (1). 3 of the submissions do not count toward it. Last evaluated 2026-06-12.

Conditions:
VPS13B-related disorder. Also called: VPS13B-related condition.
Inborn genetic diseases. Identifiers: MedGen C0950123, MeSH D030342.
Cohen syndrome (COH1). Also called: Cutis verticis gyrata, retinitis pigmentosa, and sensorineural deafness; PEPPER SYNDROME. Identifiers: Orphanet 193, MedGen C0265223, MONDO:0008999, OMIM 216550.

Allele frequency attached by ClinVar (database versions not stated): gnomAD exomes 0.00011; ExAC 0.00015; gnomAD 0.00017 and 0.00020; 1000 Genomes Project 30x 0.00031; TOPMed 0.00032; ESP Exome Variant Server 0.00038; 1000 Genomes Project 0.00040.
gnomAD v4.1: 170 of 1,613,320 alleles (0.011%); highest among the groups gnomAD compares: Middle Eastern, 0.59%; 3 homozygotes.

Submissions (9):

Ambry Genetics
Classification: Uncertain significance for Inborn genetic diseases. Last evaluated: 2026-06-12. Review status: criteria provided, single submitter. Criteria: Ambry Variant Classification Scheme 2023. Collection method: clinical testing. Allele origin: germline.
Comment: The c.1528C>T (p.R510C) alteration is located in exon 11 (coding exon 10) of the VPS13B gene. This alteration results from a C to T substitution at nucleotide position 1528, causing the arginine (R) at amino acid position 510 to be replaced by a cysteine (C). Based on data from gnomAD, the T allele has an overall frequency of 0.012% (33/282490) total alleles studied. The highest observed frequency was 0.064% (16/24946) of African alleles. This amino acid position is highly conserved in available vertebrate species. This alteration is predicted to be deleterious by in silico analysis. Based on insufficient or conflicting evidence, the clinical significance of this alteration remains unclear.

Labcorp Genetics (formerly Invitae), Labcorp
Classification: Benign for Cohen syndrome. Last evaluated: 2026-01-24. Review status: criteria provided, single submitter. Criteria: Invitae Variant Classification Sherloc (09022015). Collection method: clinical testing. Allele origin: germline.

Blueprint Genetics
Classification: Likely benign. Last evaluated: 2024-11-13. Review status: criteria provided, single submitter. Criteria: ACMG Guidelines, 2015. Collection method: clinical testing. Allele origin: germline.

CeGaT Center for Human Genetics Tuebingen
Classification: Uncertain significance. Last evaluated: 2022-08-01. Review status: criteria provided, single submitter. Criteria: CeGaT Center For Human Genetics Tuebingen Variant Classification Criteria Version 2. Collection method: clinical testing. Allele origin: germline. Affected: yes. Observed: 1 variant allele.

Illumina Laboratory Services, Illumina
Classification: Uncertain significance for Cohen syndrome. Last evaluated: 2018-01-12. Review status: criteria provided, single submitter. Criteria: ICSL Variant Classification Criteria 13 December 2019. Collection method: clinical testing. Allele origin: germline.

Eurofins Ntd Llc (ga)
Classification: Uncertain significance. Last evaluated: 2015-03-31. Review status: criteria provided, single submitter. Criteria: EGL Classification Definitions 2015. Collection method: clinical testing. Allele origin: germline. Observed: 3 variant alleles, 3 heterozygotes.

PreventionGenetics, part of Exact Sciences
Classification: Likely benign for VPS13B-related condition. Last evaluated: 2023-02-13. Review status: no assertion criteria provided. Collection method: clinical testing. Allele origin: germline. Not counted in ClinVar's aggregate classification.
Comment: This variant is classified as likely benign based on ACMG/AMP sequence variant interpretation guidelines (Richards et al. 2015 PMID: 25741868, with internal and published modifications).

Natera, Inc.
Classification: Benign for Cohen syndrome. Last evaluated: 2019-11-11. Review status: no assertion criteria provided. Collection method: clinical testing. Allele origin: germline. Not counted in ClinVar's aggregate classification.

Service de Génétique Moléculaire, Hôpital Robert Debré
Classification: Likely benign for Cohen syndrome. Review status: no assertion criteria provided. Collection method: clinical testing. Allele origin: unknown. Affected: yes. Not counted in ClinVar's aggregate classification.

Literature cited by the submitters: PubMed 24123366 (cited by Ambry Genetics); PubMed 26193622 (cited by Ambry Genetics).

NM_152564.5(VPS13B):c.1528C>T (p.Arg510Cys)

Gene: VPS13B (vacuolar protein sorting 13 homolog B; plus strand). Cytogenetic location: 8q22.2.
Variant type: single nucleotide variant.
Coding change: c.1528C>T on transcript NM_152564.5 (MANE Select); coding-DNA position 1528, C replaced by T.
Protein change: p.Arg510Cys; replaces arginine 510 with cysteine.
Molecular consequence: missense variant.
Genome position (GRCh38, 1-based): chr8:99,135,698, C>T. VCF-style: chr8-99135698-C-T. GRCh37 (hg19) VCF-style: chr8-100147926-C-T.
Other names: c.1528C>T, p.Arg510Cys (NM_015243.3, NM_017890.5); c.1528C>T (NM_152564.4); short protein forms R510C.
Identifiers: ClinVar variation 193908 (VCV000193908.52), dbSNP rs139141291, ClinGen allele CA239631.